The following is an entry in ClinVar:

ClinVar aggregate classification (germline): Pathogenic (1 of 4 stars; one submission).

Conditions:
Treacher Collins syndrome 1 (TCS1). Also called: TCOF1-Related Treacher Collins Syndrome. Identifiers: Orphanet 861, MedGen CN315775, MONDO:0007944, OMIM 154500.

Submission:

Women's Health and Genetics/Laboratory Corporation of America, LabCorp
Classification: Pathogenic for Treacher Collins syndrome 1. Last evaluated: 2024-01-10. Review status: criteria provided, single submitter. Criteria: LabCorp Variant Classification Summary - May 2015. Collection method: clinical testing. Allele origin: germline.
Comment: Variant summary: TCOF1 c.3626delC (p.Pro1209LeufsX3) results in a premature termination codon, predicted to cause a truncation of the encoded protein or absence of the protein due to nonsense mediated decay, which are commonly known mechanisms for disease. The variant was absent in 251408 control chromosomes (gnomAD). To our knowledge, no occurrence of c.3626delC in individuals affected with Treacher-Collins Syndrome 1 and no experimental evidence demonstrating its impact on protein function have been reported. No submitters have cited clinical-significance assessments for this variant to ClinVar. Based on the evidence outlined above, the variant was classified as pathogenic.

NM_001371623.1(TCOF1):c.3629del (p.Pro1210fs)

Gene: TCOF1 (treacle ribosome biogenesis factor 1; plus strand). Cytogenetic location: 5q32.
Variant type: Deletion.
Coding change: c.3629del on transcript NM_001371623.1 (MANE Select); coding-DNA position 3629, one base deleted (C; older notation c.3629delC).
Protein change: p.Pro1210fs; shifts the reading frame from proline 1210.
Molecular consequence: frameshift variant.
Genome position (GRCh38, 1-based): chr5:150,393,397, C deleted; the last of 4 consecutive C bases (chr5:150,393,394-150,393,397); deleting any one gives the same sequence. VCF-style (leftmost placement, unchanged base first): chr5-150393393-AC-A. GRCh37 (hg19) VCF-style: chr5-149772956-AC-A.
Other names: c.3626delC (NM_001135243.2); c.3395del, p.Pro1132fs (NM_000356.4); c.3626del, p.Pro1209fs (NM_001135243.2); c.3515del, p.Pro1172fs (NM_001135244.2); c.3398del, p.Pro1133fs (NM_001135245.2); c.3512del, p.Pro1171fs (NM_001195141.2); short protein forms P1132fs, P1133fs, P1171fs, P1172fs, P1209fs, P1210fs.
Identifiers: ClinVar variation 3063831 (VCV003063831.1), dbSNP rs2534376553, ClinGen allele CA2740094145.